The following is an entry in ClinVar:

NM_001382567.1(STIM1):c.802G>C (p.Ala268Pro)

Gene: STIM1 (stromal interaction molecule 1; plus strand). Cytogenetic location: 11p15.4.
Variant type: single nucleotide variant.
Coding change: c.802G>C on transcript NM_001382567.1 (MANE Select); coding-DNA position 802, G replaced by C.
Protein change: p.Ala268Pro; replaces alanine 268 with proline.
Molecular consequence: missense variant.
Genome position (GRCh38, 1-based): chr11:4,074,512, G>C. VCF-style: chr11-4074512-G-C. GRCh37 (hg19) VCF-style: chr11-4095742-G-C.
Other names: c.802G>C, p.Ala268Pro (NM_001277961.3, NM_001277962.2, NM_001382568.1 and 2 more transcripts); c.580G>C, p.Ala194Pro (NM_001382566.1, NM_001382573.1, NM_001382574.1 and 5 more transcripts); c.667G>C, p.Ala223Pro (NM_001382569.1); c.574G>C, p.Ala192Pro (NM_001382570.1); c.322G>C, p.Ala108Pro (NM_001382571.1); c.313G>C, p.Ala105Pro (NM_001382580.1, NM_001382581.1); short protein forms A105P, A108P, A192P, A194P, A223P, A268P.
Identifiers: ClinVar variation 3372077 (VCV003372077.1).
Genomic context (GRCh38, chr11:4,074,512, plus strand): 5'-CTGGCACCCCCTTGCCTGGCCTCCTCCAGCTCCCTGCATTGCCCCCCCAGGCTGCACAAG[G>C]CCCAGGAGGAGCACCGCACAGTGGAGGTGGAGAAGGTCCATCTGGAAAAGAAGCTGCGCG-3'
Protein context (NP_001369496.1, residues 258-278): LHDLQERLHK[Ala268Pro]QEEHRTVEVE

ClinVar aggregate classification (germline): Uncertain significance (1 of 4 stars; one submission).

Submission:

GeneDx
Classification: Uncertain significance. Last evaluated: 2024-04-04. Review status: criteria provided, single submitter. Criteria: GeneDx Variant Classification Process June 2021. Collection method: clinical testing. Allele origin: germline. Affected: yes.
Comment: Not observed at significant frequency in large population cohorts (gnomAD); In silico analysis supports that this missense variant has a deleterious effect on protein structure/function; Has not been previously published as pathogenic or benign to our knowledge